The following is an entry in ClinVar:

NM_001371986.1(UNC80):c.2471G>A (p.Arg824Gln)

Gene: UNC80 (unc-80 homolog, NALCN channel complex subunit; plus strand). Cytogenetic location: 2q34.
Variant type: single nucleotide variant.
Coding change: c.2471G>A on transcript NM_001371986.1 (MANE Select); coding-DNA position 2471, G replaced by A.
Protein change: p.Arg824Gln; replaces arginine 824 with glutamine.
Molecular consequence: missense variant. On other transcripts: intron variant (1).
Genome position (GRCh38, 1-based): chr2:209,826,046, G>A. VCF-style: chr2-209826046-G-A. GRCh37 (hg19) VCF-style: chr2-210690770-G-A.
Other names: c.2471G>A, p.Arg824Gln (NM_032504.2); c.2463+8G>A (NM_182587.4); short protein forms R824Q.
Identifiers: ClinVar variation 1352797 (VCV001352797.5), dbSNP rs1468887382, ClinGen allele CA350137470.

ClinVar aggregate classification (germline): Uncertain significance (1 of 4 stars; one submission).

Allele frequency attached by ClinVar (database versions not stated): gnomAD exomes below 0.00001 and 0.00001; TOPMed below 0.00001; gnomAD 0.00001.
gnomAD v4.1: 6 of 1,548,292 alleles (0.00039%); highest among the groups gnomAD compares: East Asian, 0.0024%; no homozygotes.

Submission:

Labcorp Genetics (formerly Invitae), Labcorp
Classification: Uncertain significance. Last evaluated: 2022-03-19. Review status: criteria provided, single submitter. Criteria: Invitae Variant Classification Sherloc (09022015). Collection method: clinical testing. Allele origin: germline.
Comment: In summary, the available evidence is currently insufficient to determine the role of this variant in disease. Therefore, it has been classified as a Variant of Uncertain Significance. Algorithms developed to predict the effect of missense changes on protein structure and function are either unavailable or do not agree on the potential impact of this missense change (SIFT: "Not Available"; PolyPhen-2: "Benign"; Align-GVGD: "Not Available"). This missense change has been observed in individual(s) with clinical features of UNC80-related conditions (Invitae). In at least one individual the data is consistent with being in trans (on the opposite chromosome) from a pathogenic variant. This variant is present in population databases (no rsID available, gnomAD 0.005%). This sequence change replaces arginine with glutamine at codon 824 of the UNC80 protein (p.Arg824Gln). The arginine residue is weakly conserved and there is a small physicochemical difference between arginine and glutamine.